The following is an entry in ClinVar:

ClinVar aggregate classification (germline): Uncertain significance (1 of 4 stars; one submission).

Conditions:
Ehlers-Danlos syndrome, type 4 (EDSVASC). Also called: Ehlers-Danlos syndrome vascular type; Ehlers Danlos syndrome, ecchymotic type; Ehlers Danlos syndrome, arterial type; Ehlers Danlos syndrome, Sack-Barabas type; Ehlers-Danlos Syndrome Type IV. Identifiers: Orphanet 286, MedGen C0268338, MONDO:0017314, OMIM 130050.

Submission:

Labcorp Genetics (formerly Invitae), Labcorp
Classification: Uncertain significance for Ehlers-Danlos syndrome, type 4. Last evaluated: 2026-01-26. Review status: criteria provided, single submitter. Criteria: Invitae Variant Classification Sherloc (09022015). Collection method: clinical testing. Allele origin: germline.
Comment: This sequence change replaces proline, which is neutral and non-polar, with alanine, which is neutral and non-polar, at codon 458 of the COL3A1 protein (p.Pro458Ala). This variant is not present in population databases (gnomAD no frequency). This variant has not been reported in the literature in individuals affected with COL3A1-related conditions. Invitae Evidence Modeling of protein sequence and biophysical properties (such as structural, functional, and spatial information, amino acid conservation, physicochemical variation, residue mobility, and thermodynamic stability) indicates that this missense variant is not expected to disrupt COL3A1 protein function with a negative predictive value of 95%. In summary, the available evidence is currently insufficient to determine the role of this variant in disease. Therefore, it has been classified as a Variant of Uncertain Significance.

NM_000090.4(COL3A1):c.1372C>G (p.Pro458Ala)

Gene: COL3A1 (collagen type III alpha 1 chain; plus strand). Cytogenetic location: 2q32.2.
Variant type: single nucleotide variant.
Coding change: c.1372C>G on transcript NM_000090.4 (MANE Select); coding-DNA position 1372, C replaced by G.
Protein change: p.Pro458Ala; replaces proline 458 with alanine.
Molecular consequence: missense variant.
Genome position (GRCh38, 1-based): chr2:188,994,748, C>G. VCF-style: chr2-188994748-C-G. GRCh37 (hg19) VCF-style: chr2-189859474-C-G.
Other names: short protein forms P458A.
Identifiers: ClinVar variation 4751713 (VCV004751713.1).
Genomic context (GRCh38, chr2:188,994,748, plus strand): 5'-TAATTTCTTTATTTTACCATCTTTTTTTTTTTTCAGGGTGAGGCTGGTATTCCAGGTGTT[C>G]CAGGAGCTAAAGGCGAAGATGGCAAGGATGGATCACCTGGAGAACCTGGTGCAAATGGGC-3'
Protein context (NP_000081.2, residues 448-468): ERGEAGIPGV[Pro458Ala]GAKGEDGKDG